The following is an entry in ClinVar:

NM_000232.5(SGCB):c.544A>C (p.Thr182Pro)

Gene: SGCB (sarcoglycan beta; minus strand). Cytogenetic location: 4q12.
Variant type: single nucleotide variant.
Coding change: c.544A>C on transcript NM_000232.5 (MANE Select); coding-DNA position 544, A replaced by C.
Protein change: p.Thr182Pro; replaces threonine 182 with proline.
Molecular consequence: missense variant.
Genome position (GRCh38, 1-based): chr4:52,028,807, T>G on the plus strand (A>C on the coding strand, the complement: SGCB is on the minus strand). VCF-style: chr4-52028807-T-G. GRCh37 (hg19) VCF-style: chr4-52894973-T-G.
Other names: short protein forms T182P.
Identifiers: ClinVar variation 466604 (VCV000466604.41), dbSNP rs751427686, ClinGen allele CA2918367.

ClinVar aggregate classification (germline): Pathogenic/Likely pathogenic. Review status: criteria provided, multiple submitters, no conflicts (2 of 4 stars). 6 submissions from 6 submitters: Pathogenic (3); Likely pathogenic (3). Last evaluated 2026-01-04.

Conditions:
Autosomal recessive limb-girdle muscular dystrophy type 2E (LGMDR4). Also called: MUSCULAR DYSTROPHY, LIMB-GIRDLE, AUTOSOMAL RECESSIVE 4. Identifiers: Orphanet 119, MedGen C1858593, MONDO:0011423, OMIM 604286. Disease mechanism: Affects gamma-sarcoglycan and also disrupts the integrity of the entire sarcoglycan complex..

Allele frequency attached by ClinVar (database versions not stated): gnomAD exomes 0.00001; ExAC 0.00002.
gnomAD v4.1: 7 of 1,613,750 alleles (0.00043%); highest among the groups gnomAD compares: South Asian, 0.0077%; no homozygotes.

Submissions (6):

Labcorp Genetics (formerly Invitae), Labcorp
Classification: Pathogenic for Autosomal recessive limb-girdle muscular dystrophy type 2E. Last evaluated: 2026-01-04. Review status: criteria provided, single submitter. Criteria: Invitae Variant Classification Sherloc (09022015). Collection method: clinical testing. Allele origin: germline.
Comment: This sequence change replaces threonine, which is neutral and polar, with proline, which is neutral and non-polar, at codon 182 of the SGCB protein (p.Thr182Pro). This variant is present in population databases (rs751427686, gnomAD 0.01%). This missense change has been observed in individual(s) with clinical features of SGCB-related conditions (PMID: 33250842, 35416532; internal data). ClinVar contains an entry for this variant (Variation ID: 466604). Invitae Evidence Modeling of protein sequence and biophysical properties (such as structural, functional, and spatial information, amino acid conservation, physicochemical variation, residue mobility, and thermodynamic stability) indicates that this missense variant is not expected to disrupt SGCB protein function with a negative predictive value of 80%. This variant disrupts the p.Thr182 amino acid residue in SGCB. Other variant(s) that disrupt this residue have been observed in individuals with SGCB-related conditions (PMID: 9032047), which suggests that this may be a clinically significant amino acid residue. For these reasons, this variant has been classified as Pathogenic.

Natera, Inc.
Classification: Likely pathogenic for Limb-girdle muscular dystrophy type 2E. Last evaluated: 2025-04-24. Review status: criteria provided, single submitter. Criteria: Natera Variant Classification Schema (03/2026). Collection method: clinical testing. Allele origin: germline.
Comment: The c.544A>C variant in SGCB is a missense variant predicted to cause substitution of threonine to proline at amino acid 182. This variant is rare in the general population with a frequency below the threshold expected for the associated phenotype(s). This variant has been observed in one or more individuals affected with the associated recessive disease, as either homozygous or compound heterozygous with a second variant (PMID: 35416532). Additionally, this variant has been observed to segregate in affected family members (PMID: 37699968). A different variant at the same position has been determined to be Pathogenic or Likely Pathogenic. Computational prediction algorithms indicate this variant is likely to affect gene or protein function. Given the available evidence, this variant is classified as Likely Pathogenic.

Revvity Omics, Revvity
Classification: Pathogenic for Autosomal recessive limb-girdle muscular dystrophy type 2E. Last evaluated: 2024-05-13. Review status: criteria provided, single submitter. Criteria: ACMG Guidelines, 2015. Collection method: clinical testing. Allele origin: germline.

CeGaT Center for Human Genetics Tuebingen
Classification: Likely pathogenic. Last evaluated: 2024-05-01. Review status: criteria provided, single submitter. Criteria: CeGaT Center For Human Genetics Tuebingen Variant Classification Criteria Version 2. Collection method: clinical testing. Allele origin: germline. Affected: yes. Observed: 1 variant allele.
Comment: SGCB: PM3:Strong, PM2, PM5, PP3

Neuberg Centre For Genomic Medicine, NCGM
Classification: Likely pathogenic for Autosomal recessive limb-girdle muscular dystrophy type 2E. Last evaluated: 2024-02-01. Review status: criteria provided, single submitter. Criteria: ACMG Guidelines, 2015. Collection method: clinical testing. Allele origin: germline. Inheritance: Autosomal recessive inheritance. Affected: yes.
Comment: The missense c.544A>C (p.Thr182Pro) variant in SGCB gene has been reported previously in multiple individuals affected with sarcoglycanopathy and limb-girdle muscular dystrophies (LGMDs) (Chakravorty et al., 2020; Bardhan et al., 2022). Other variant(s) that disrupt this residue have been observed in individuals with SGCB-related conditions (Duggan et al., 1997). Additional functional studies will be required to prove the pathogenicity of this variant conclusively.

Diagnostics Division, CENTRE FOR DNA FINGERPRINTING AND DIAGNOSTICS
Classification: Pathogenic for Autosomal recessive limb-girdle muscular dystrophy type 2E. Review status: criteria provided, single submitter. Criteria: ACMG Guidelines, 2015. Collection method: research. Allele origin: germline. Inheritance: Autosomal recessive inheritance. Affected: yes. Observed: 1 homozygote.
Comment: The variant SGCB(NM_000232.5):c.544A>C; p.(Thr182Pro) is classified as Likely Pathogenic based on strong computational evidence (MetaRNN score = 0.957), its location in a known missense hotspot (PM1), and the presence of a pathogenic alternative variant at the same position (PM5). Additionally, the variant is absent in gnomAD with high coverage (PM2), and it has been previously classified as Likely Pathogenic in the literature (PP5, PMID: 33250842). This classification follows ACMG/AMP guidelines.

Literature cited by the submitters: PubMed 33250842 (cited by Labcorp Genetics (formerly Invitae), Labcorp); PubMed 35416532 (cited by Labcorp Genetics (formerly Invitae), Labcorp and Natera, Inc.); PubMed 9032047 (cited by Labcorp Genetics (formerly Invitae), Labcorp); PubMed 37699968 (cited by Natera, Inc.).